The following is an entry in ClinVar:

NM_001365536.1(SCN9A):c.332C>T (p.Pro111Leu)

Gene: SCN9A (sodium voltage-gated channel alpha subunit 9; minus strand). Cytogenetic location: 2q24.3.
Variant type: single nucleotide variant.
Coding change: c.332C>T on transcript NM_001365536.1 (MANE Select); coding-DNA position 332, C replaced by T.
Protein change: p.Pro111Leu; replaces proline 111 with leucine.
Molecular consequence: missense variant.
Genome position (GRCh38, 1-based): chr2:166,307,001, G>A on the plus strand (C>T on the coding strand, the complement: SCN9A is on the minus strand). VCF-style: chr2-166307001-G-A. GRCh37 (hg19) VCF-style: chr2-167163511-G-A.
Other names: c.332C>T, p.Pro111Leu (NM_002977.4); short protein forms P111L.
Identifiers: ClinVar variation 4783444 (VCV004783444.1).

ClinVar aggregate classification (germline): Uncertain significance (1 of 4 stars; one submission).

Conditions:
Neuropathy, hereditary sensory and autonomic, type 2A (HSAN2A). Also called: ACROOSTEOLYSIS, GIACCAI TYPE; ACROOSTEOLYSIS, NEUROGENIC; WNK1-Related HSAN2 (HSAN2A); NEUROPATHY, HEREDITARY SENSORY RADICULAR, AUTOSOMAL RECESSIVE; MORVAN DISEASE; NEUROPATHY, CONGENITAL SENSORY. Identifiers: Orphanet 970, MedGen C2752089, MONDO:0024309, OMIM 201300.
Generalized epilepsy with febrile seizures plus, type 7 (GEFSP7). Also called: GEFS+, TYPE 7. Identifiers: Orphanet 36387, MedGen C2751778, MONDO:0013470, OMIM 613863.

Submission:

Labcorp Genetics (formerly Invitae), Labcorp
Classification: Uncertain significance for Neuropathy, hereditary sensory and autonomic, type 2A; Generalized epilepsy with febrile seizures plus, type 7. Last evaluated: 2025-08-12. Review status: criteria provided, single submitter. Criteria: Invitae Variant Classification Sherloc (09022015). Collection method: clinical testing. Allele origin: germline.
Comment: This sequence change replaces proline, which is neutral and non-polar, with leucine, which is neutral and non-polar, at codon 111 of the SCN9A protein (p.Pro111Leu). This variant is not present in population databases (gnomAD no frequency). This variant has not been reported in the literature in individuals affected with SCN9A-related conditions. Invitae Evidence Modeling of protein sequence and biophysical properties (such as structural, functional, and spatial information, amino acid conservation, physicochemical variation, residue mobility, and thermodynamic stability) has been performed for this missense variant. However, the output from this modeling did not meet the statistical confidence thresholds required to predict the impact of this variant on SCN9A protein function. In summary, the available evidence is currently insufficient to determine the role of this variant in disease. Therefore, it has been classified as a Variant of Uncertain Significance.